The following is an entry in ClinVar:

NM_001365276.2(TNXB):c.9279G>T (p.Gln3093His)

Gene: TNXB (tenascin XB; minus strand). Cytogenetic location: 6p21.33.
Variant type: single nucleotide variant.
Coding change: c.9279G>T on transcript NM_001365276.2 (MANE Select); coding-DNA position 9279, G replaced by T.
Protein change: p.Gln3093His; replaces glutamine 3093 with histidine.
Molecular consequence: missense variant.
Genome position (GRCh38, 1-based): chr6:32,050,158, C>A on the plus strand (G>T on the coding strand, the complement: TNXB is on the minus strand). VCF-style: chr6-32050158-C-A. GRCh37 (hg19) VCF-style: chr6-32017935-C-A.
Other names: c.9273G>T, p.Gln3091His (NM_019105.8); short protein forms Q3093H, Q3091H.
Identifiers: ClinVar variation 3327848 (VCV003327848.1).

ClinVar aggregate classification (germline): Uncertain significance (1 of 4 stars; one submission).

Conditions:
Cardiovascular phenotype. Identifiers: MedGen CN230736.

gnomAD v4.1: 5 of 1,613,900 alleles (0.00031%); highest among the groups gnomAD compares: Non-Finnish European, 0.00042%; no homozygotes.

Submission:

Ambry Genetics
Classification: Uncertain significance for Cardiovascular phenotype. Last evaluated: 2024-04-02. Review status: criteria provided, single submitter. Criteria: Ambry Variant Classification Scheme 2023. Collection method: clinical testing. Allele origin: germline.
Comment: The p.Q3091H variant (also known as c.9273G>T), located in coding exon 26 of the TNXB gene, results from a G to T substitution at nucleotide position 9273. The glutamine at codon 3091 is replaced by histidine, an amino acid with highly similar properties. This amino acid position is highly conserved in available vertebrate species. In addition, this alteration is predicted to be tolerated by in silico analysis. Based on the available evidence, the clinical significance of this alteration remains unclear.